The following is an entry in ClinVar:

ClinVar aggregate classification (germline): Likely benign (1 of 4 stars; one submission).

Allele frequency attached by ClinVar (database versions not stated): gnomAD 0.00020; ExAC 0.00025.

Submission:

CeGaT Center for Human Genetics Tuebingen
Classification: Likely benign. Last evaluated: 2022-09-01. Review status: criteria provided, single submitter. Criteria: CeGaT Center For Human Genetics Tuebingen Variant Classification Criteria Version 2. Collection method: clinical testing. Allele origin: germline. Affected: yes. Observed: 1 variant allele.
Comment: NUTM2B: BP4

NM_001278495.2(NUTM2B):c.2036G>A (p.Arg679Gln)

Genes: NUTM2B-AS1 (NUTM2B antisense RNA 1; minus strand), NUTM2B (NUT family member 2B; plus strand). Cytogenetic location: 10q22.3.
Variant type: single nucleotide variant.
Coding change: c.2036G>A on transcript NM_001278495.2 (MANE Select); coding-DNA position 2036, G replaced by A.
Protein change: p.Arg679Gln; replaces arginine 679 with glutamine.
Molecular consequence: missense variant.
Genome position (GRCh38, 1-based): chr10:79,711,884, G>A. VCF-style: chr10-79711884-G-A. GRCh37 (hg19) VCF-style: chr10-81471640-G-A.
Other names: short protein forms R679Q.
Identifiers: ClinVar variation 2640644 (VCV002640644.24), dbSNP rs757595451, ClinGen allele CA5574764.